The following is an entry in ClinVar:

NM_001378457.1(DMXL2):c.8282C>T (p.Pro2761Leu)

Gene: DMXL2 (Dmx like 2; minus strand). Cytogenetic location: 15q21.2.
Variant type: single nucleotide variant.
Coding change: c.8282C>T on transcript NM_001378457.1 (MANE Select); coding-DNA position 8282, C replaced by T.
Protein change: p.Pro2761Leu; replaces proline 2761 with leucine.
Molecular consequence: missense variant. On other transcripts: non-coding transcript variant (2).
Genome position (GRCh38, 1-based): chr15:51,457,383, G>A on the plus strand (C>T on the coding strand, the complement: DMXL2 is on the minus strand). VCF-style: chr15-51457383-G-A. GRCh37 (hg19) VCF-style: chr15-51749580-G-A.
Other names: c.8219C>T, p.Pro2740Leu (NM_001174116.3); c.6308C>T, p.Pro2103Leu (NM_001174117.3); c.8279C>T, p.Pro2760Leu (NM_001378458.1); c.7994C>T, p.Pro2665Leu (NM_001378459.1); c.6197C>T, p.Pro2066Leu (NM_001378460.1); c.8216C>T, p.Pro2739Leu (NM_015263.5); short protein forms P2665L, P2739L, P2760L, P2066L, P2740L, P2103L, P2761L.
Identifiers: ClinVar variation 2104418 (VCV002104418.2), dbSNP rs1349848188, ClinGen allele CA392436233.
Genomic context (GRCh38, chr15:51,457,383, plus strand): 5'-CATACCACACTAGCTCCAGTGCTAGTCTGTCCAGTGCCCAGCCATGGCAGAGATGAAGGT[G>A]GATGCACCTGACTTGCTGAATAGGATGTTGCACTGGGTTGATAAAGAGTTGTAGTGGAAC-3'
Protein context (NP_001365386.1, residues 2751-2771): ATSYSASQVH[Pro2761Leu]PSSLPWLGTG

ClinVar aggregate classification (germline): Uncertain significance (1 of 4 stars; one submission).

Allele frequency attached by ClinVar (database versions not stated): gnomAD exomes below 0.00001; TOPMed below 0.00001; gnomAD 0.00001.
gnomAD v4.1: 4 of 1,614,082 alleles (0.00025%); highest among the groups gnomAD compares: African/African-American, 0.0027%; no homozygotes.

Submission:

Labcorp Genetics (formerly Invitae), Labcorp
Classification: Uncertain significance. Last evaluated: 2022-02-28. Review status: criteria provided, single submitter. Criteria: Invitae Variant Classification Sherloc (09022015). Collection method: clinical testing. Allele origin: germline.
Comment: In summary, the available evidence is currently insufficient to determine the role of this variant in disease. Therefore, it has been classified as a Variant of Uncertain Significance. Algorithms developed to predict the effect of missense changes on protein structure and function (SIFT, PolyPhen-2, Align-GVGD) all suggest that this variant is likely to be tolerated. This variant has not been reported in the literature in individuals affected with DMXL2-related conditions. The frequency data for this variant in the population databases is considered unreliable, as metrics indicate poor data quality at this position in the gnomAD database. This sequence change replaces proline, which is neutral and non-polar, with leucine, which is neutral and non-polar, at codon 2740 of the DMXL2 protein (p.Pro2740Leu).